The following is an entry in ClinVar:

NM_006015.6(ARID1A):c.3858_3859insT (p.Arg1287Ter)

Gene: ARID1A (AT-rich interaction domain 1A; plus strand). Cytogenetic location: 1p36.11.
Variant type: Insertion.
Coding change: c.3858_3859insT on transcript NM_006015.6 (MANE Select); coding-DNA positions 3858 to 3859, T inserted.
Protein change: p.Arg1287Ter; replaces arginine 1287 with a stop codon.
Molecular consequence: nonsense.
Genome position: GRCh38 VCF-style: chr1-26773488-C-CT. GRCh37 (hg19) VCF-style: chr1-27099979-C-CT.
Other names: c.3858_3859insT, p.Arg1287Ter (NM_139135.4); short protein forms R1287*.
Identifiers: ClinVar variation 2633987 (VCV002633987.3), dbSNP rs2521981696, ClinGen allele CA2695197991.
Genomic context (GRCh38, chr1:26,773,488, plus strand): 5'-TGGGCTAGGAAATGTGGCGATGGGACCACGACAGCACTATCCCTATGGAGGTCCTTATGA[C>CT]AGAGTGAGGTAAGCATGACCCCAGCTCCTGTCCACTCCCCCAGCACCCTGAAGCTATAGT-3'

ClinVar aggregate classification (germline): Pathogenic (0 of 4 stars; one submission).

Conditions:
ARID1A-related disorder. Also called: ARID1A-related condition.

Submission:

PreventionGenetics, part of Exact Sciences
Classification: Pathogenic for ARID1A-related condition. Last evaluated: 2023-11-29. Review status: no assertion criteria provided. Collection method: clinical testing. Allele origin: germline.
Comment: The ARID1A c.3858_3859insT variant is predicted to result in premature protein termination (p.Arg1287*). To our knowledge, this variant has not been reported in the literature or in a large population database, indicating this variant is rare. Nonsense variants in ARID1A are expected to be pathogenic. This variant is interpreted as pathogenic.